The following is an entry in ClinVar:

ClinVar aggregate classification (germline): Uncertain significance. Review status: criteria provided, multiple submitters, no conflicts (2 of 4 stars). 2 submissions from 2 submitters: Uncertain significance (2). Last evaluated 2025-03-20.

Conditions:
Inborn genetic diseases. Identifiers: MedGen C0950123, MeSH D030342.

gnomAD v4.1: 8 of 1,602,516 alleles (0.0005%); highest among the groups gnomAD compares: South Asian, 0.0055%; no homozygotes.

Submissions (2):

Ambry Genetics
Classification: Uncertain significance for Inborn genetic diseases. Last evaluated: 2025-03-20. Review status: criteria provided, single submitter. Criteria: Ambry Variant Classification Scheme 2023. Collection method: clinical testing. Allele origin: germline.

GeneDx
Classification: Uncertain significance. Last evaluated: 2024-06-25. Review status: criteria provided, single submitter. Criteria: GeneDx Variant Classification Process June 2021. Collection method: clinical testing. Allele origin: germline. Affected: yes.
Comment: Not observed at significant frequency in large population cohorts (gnomAD); In silico analysis indicates that this missense variant does not alter protein structure/function; Has not been previously published as pathogenic or benign to our knowledge

NM_001330078.2(NRXN1):c.314C>A (p.Ala105Asp)

Gene: NRXN1 (neurexin 1; minus strand). Cytogenetic location: 2p16.3.
Variant type: single nucleotide variant.
Coding change: c.314C>A on transcript NM_001330078.2 (MANE Select); coding-DNA position 314, C replaced by A.
Protein change: p.Ala105Asp; replaces alanine 105 with aspartic acid.
Molecular consequence: missense variant.
Genome position (GRCh38, 1-based): chr2:51,027,960, G>T on the plus strand (C>A on the coding strand, the complement: NRXN1 is on the minus strand). VCF-style: chr2-51027960-G-T. GRCh37 (hg19) VCF-style: chr2-51255098-G-T.
Other names: c.314C>A, p.Ala105Asp (NM_001135659.3, NM_001330077.2, NM_001330079.2 and 15 more transcripts); short protein forms A105D.
Identifiers: ClinVar variation 3392733 (VCV003392733.2).